The following is an entry in ClinVar:

NM_018897.3(DNAH7):c.8665C>T (p.Arg2889Ter)

Gene: DNAH7 (dynein axonemal heavy chain 7; minus strand). Cytogenetic location: 2q32.3.
Variant type: single nucleotide variant.
Coding change: c.8665C>T on transcript NM_018897.3 (MANE Select); coding-DNA position 8665, C replaced by T.
Protein change: p.Arg2889Ter; replaces arginine 2889 with a stop codon.
Molecular consequence: nonsense.
Genome position (GRCh38, 1-based): chr2:195,853,459, G>A on the plus strand (C>T on the coding strand, the complement: DNAH7 is on the minus strand). VCF-style: chr2-195853459-G-A. GRCh37 (hg19) VCF-style: chr2-196718183-G-A.
Other names: short protein forms R2889*.
Identifiers: ClinVar variation 4850652 (VCV004850652.1).

ClinVar aggregate classification (germline): Likely pathogenic (1 of 4 stars; one submission).

Conditions:
Ciliary dyskinesia, primary, 50 (CILD50). Identifiers: MedGen C5830473, MONDO:0957252, OMIM 620356.

gnomAD v4.1: 12 of 1,613,932 alleles (0.00074%); highest among the groups gnomAD compares: Middle Eastern, 0.016%; no homozygotes.

Submission:

First Genomix Gene Laboratory, Genetic Diagnostics Department
Classification: Likely pathogenic for Ciliary dyskinesia, primary, 50. Last evaluated: 2025-07-30. Review status: criteria provided, single submitter. Criteria: ACMG Guidelines, 2015. Collection method: clinical testing. Allele origin: germline. Inheritance: Autosomal recessive inheritance. Affected: no. Observed: 1 variant allele.